The following is an entry in ClinVar:

NM_175065.3(H2AC21):c.186A>G (p.Glu62=)

Gene: H2AC21 (H2A clustered histone 21; minus strand). Cytogenetic location: 1q21.2.
Variant type: single nucleotide variant.
Coding change: c.186A>G on transcript NM_175065.3 (MANE Select); coding-DNA position 186, A replaced by G.
Protein change: p.Glu62=; no amino-acid change (glutamic acid 62 retained).
Molecular consequence: synonymous variant.
Genome position (GRCh38, 1-based): chr1:149,887,731, T>C on the plus strand (A>G on the coding strand, the complement: H2AC21 is on the minus strand). VCF-style: chr1-149887731-T-C. GRCh37 (hg19) VCF-style: chr1-149859281-T-C.
Identifiers: ClinVar variation 2639147 (VCV002639147.24), dbSNP rs1553760119, ClinGen allele CA420891974.

ClinVar aggregate classification (germline): Likely benign (1 of 4 stars; one submission).

Submission:

CeGaT Center for Human Genetics Tuebingen
Classification: Likely benign. Last evaluated: 2023-11-01. Review status: criteria provided, single submitter. Criteria: CeGaT Center For Human Genetics Tuebingen Variant Classification Criteria Version 2. Collection method: clinical testing. Allele origin: germline. Affected: yes. Observed: 2 variant alleles.
Comment: H2AC21: BP4, BP7